The following is an entry in ClinVar:

ClinVar aggregate classification (germline): Conflicting classifications of pathogenicity. Review status: criteria provided, conflicting classifications (1 of 4 stars). 3 submissions from 3 submitters: Likely pathogenic (1); Uncertain significance (1). 1 of the submissions does not count toward it. Last evaluated 2025-08-12.

Conditions:
Myopathy, tubular aggregate, 2 (TAM2). Identifiers: MedGen C4014557, MONDO:0014383, OMIM 615883.
Combined immunodeficiency due to ORAI1 deficiency. Also called: IMMUNODEFICIENCY 9. Identifiers: Orphanet 169090, Orphanet 317428, MedGen C2748568, MONDO:0013007, OMIM 612782.

Submissions (3):

GeneDx
Classification: Likely pathogenic. Last evaluated: 2025-08-12. Review status: criteria provided, single submitter. Criteria: GeneDx Variant Classification Process June 2021. Collection method: clinical testing. Allele origin: germline. Affected: yes.
Comment: Published functional studies demonstrate a damaging effect via constitutive CRAC channel activation (PMID: 36806330); Not observed at significant frequency in large population cohorts (gnomAD); In silico analysis supports that this missense variant has a deleterious effect on protein structure/function; This variant is associated with the following publications: (PMID: 25227914, 30382595, 29184031, 36806330)

Labcorp Genetics (formerly Invitae), Labcorp
Classification: Uncertain significance for Myopathy, tubular aggregate, 2; Combined immunodeficiency due to ORAI1 deficiency. Last evaluated: 2023-03-08. Review status: criteria provided, single submitter. Criteria: Invitae Variant Classification Sherloc (09022015). Collection method: clinical testing. Allele origin: germline.
Comment: ClinVar contains an entry for this variant (Variation ID: 189257). In summary, the available evidence is currently insufficient to determine the role of this variant in disease. Therefore, it has been classified as a Variant of Uncertain Significance. Experimental studies have shown that this missense change affects ORAI1 function (PMID: 25227914, 30382595). Algorithms developed to predict the effect of variants on protein structure and function are not available or were not evaluated for this variant. This missense change has been observed in individuals with clinical features of tubular aggregate myopathy (PMID: 25227914; Invitae). This variant is not present in population databases (gnomAD no frequency). This sequence change replaces leucine, which is neutral and non-polar, with phenylalanine, which is neutral and non-polar, at codon 138 of the ORAI1 protein (p.Leu138Phe).

OMIM
Classification: Pathogenic for MYOPATHY, TUBULAR AGGREGATE, 2. Last evaluated: 2015-02-01. Review status: no assertion criteria provided. Collection method: literature only. Allele origin: germline. Not counted in ClinVar's aggregate classification.

Literature cited by the submitters: PubMed 25227914 (cited by Labcorp Genetics (formerly Invitae), Labcorp and OMIM); PubMed 30382595 (cited by Labcorp Genetics (formerly Invitae), Labcorp).

NM_032790.4(ORAI1):c.412C>T (p.Leu138Phe)

Gene: ORAI1 (ORAI calcium release-activated calcium modulator 1; plus strand). Cytogenetic location: 12q24.31.
Variant type: single nucleotide variant.
Coding change: c.412C>T on transcript NM_032790.4 (MANE Select); coding-DNA position 412, C replaced by T.
Protein change: p.Leu138Phe; replaces leucine 138 with phenylalanine.
Genome position (GRCh38, 1-based): chr12:121,641,149, C>T. VCF-style: chr12-121641149-C-T. GRCh37 (hg19) VCF-style: chr12-122079055-C-T.
Other names: short protein forms L138F.
Identifiers: ClinVar variation 189257 (VCV000189257.6), dbSNP rs786204797, ClinGen allele CA199188.